The following is an entry in ClinVar:

ClinVar aggregate classification (germline): Pathogenic (1 of 4 stars; one submission).

Conditions:
Osteogenesis imperfecta type I (OI1). Also called: OI, TYPE I; OSTEOGENESIS IMPERFECTA TARDA; OSTEOGENESIS IMPERFECTA WITH BLUE SCLERAE; Osteogenesis imperfecta type 1; Lobstein's Disease; Lobstein disease. Identifiers: Orphanet 216796, Orphanet 666, MedGen C0023931, MONDO:0008146, OMIM 166200. Disease mechanism: loss of function.

Submission:

Laboratory of Genetic Skeletal Anomaly, Seoul National University Children's Hospital
Classification: Pathogenic for Osteogenesis imperfecta type I. Last evaluated: 2025-03-01. Review status: criteria provided, single submitter. Criteria: ACMG Guidelines, 2015. Collection method: research. Allele origin: germline. Affected: yes.
Comment: This variant is a novel variant not previously reported in the literature or population databases. It was classified based on available in silico predictions and absence from gnomAD.

NM_000088.4(COL1A1):c.2287_2293del (p.Val762_Arg763insTer)

Gene: COL1A1 (collagen type I alpha 1 chain; minus strand). Cytogenetic location: 17q21.33.
Variant type: Deletion.
Coding change: c.2287_2293del on transcript NM_000088.4 (MANE Select); coding-DNA positions 2287 to 2293, 7 bases deleted (CGTGGTC; older notation c.2287_2293delCGTGGTC).
Protein change: p.Val762_Arg763insTer.
Molecular consequence: nonsense.
Genome position (GRCh38, 1-based): chr17:50,190,867-50,190,873, GACCACG deleted on the plus strand (CGTGGTC on the coding strand, the reverse complement: COL1A1 is on the minus strand); deleting any 7 consecutive bases within chr17:50,190,867-50,190,876 gives the same sequence; the c. name uses the placement nearest the transcript's 3' end. VCF-style (leftmost placement, unchanged base first): chr17-50190866-AGACCACG-A. GRCh37 (hg19) VCF-style: chr17-48268227-AGACCACG-A.
Identifiers: ClinVar variation 4280694 (VCV004280694.1).